The following is an entry in ClinVar:

ClinVar aggregate classification (germline): Pathogenic (1 of 4 stars; one submission).

Submission:

Labcorp Genetics (formerly Invitae), Labcorp
Classification: Pathogenic. Last evaluated: 2023-10-11. Review status: criteria provided, single submitter. Criteria: Invitae Variant Classification Sherloc (09022015). Collection method: clinical testing. Allele origin: germline.
Comment: This sequence change creates a premature translational stop signal (p.Leu55Ilefs*12) in the F13B gene. It is expected to result in an absent or disrupted protein product. Loss-of-function variants in F13B are known to be pathogenic (PMID: 8639893, 11313256). This variant is present in population databases (rs746736072, gnomAD 0.006%). This variant has not been reported in the literature in individuals affected with F13B-related conditions. ClinVar contains an entry for this variant (Variation ID: 1069026). For these reasons, this variant has been classified as Pathogenic.

Literature cited by the submitters: PubMed 8639893; PubMed 11313256.

NM_001994.3(F13B):c.162dup (p.Leu55fs)

Gene: F13B (coagulation factor XIII B chain; minus strand). Cytogenetic location: 1q31.3.
Variant type: Duplication.
Coding change: c.162dup on transcript NM_001994.3 (MANE Select); coding-DNA position 162, one base duplicated (A; older notation c.162dupA).
Protein change: p.Leu55fs; shifts the reading frame from leucine 55.
Molecular consequence: frameshift variant.
Genome position (GRCh38, 1-based): chr1:197,062,960, T duplicated on the plus strand (A on the coding strand, the reverse complement: F13B is on the minus strand); the first of 6 consecutive T bases (chr1:197,062,960-197,062,965); duplicating any one gives the same sequence. VCF-style (leftmost placement, unchanged base first): chr1-197062959-A-AT. GRCh37 (hg19) VCF-style: chr1-197032089-A-AT.
Other names: short protein forms L55fs.
Identifiers: ClinVar variation 1069026 (VCV001069026.7), dbSNP rs746736072, ClinGen allele CA1308646.